The following is an entry in ClinVar:

ClinVar aggregate classification (germline): Conflicting classifications of pathogenicity. Review status: criteria provided, conflicting classifications (1 of 4 stars). 2 submissions from 2 submitters: Uncertain significance (1); Likely benign (1). Last evaluated 2023-03-23.

Conditions:
Hereditary breast ovarian cancer syndrome. Also called: Hereditary breast and ovarian cancer syndrome (HBOC); Hereditary breast and ovarian cancer syndrome; Breast and ovarian cancer; Hereditary breast and ovarian cancer; Hereditary breast and/or ovarian cancer syndrome; BRCA1- and BRCA2-Associated Hereditary Breast and Ovarian Cancer. Identifiers: Orphanet 145, MedGen C0677776, MeSH D061325, MONDO:0003582. Disease mechanism: loss of function.
Hereditary cancer-predisposing syndrome. Also called: Neoplastic Syndromes, Hereditary; Tumor predisposition; Hereditary neoplastic syndrome; Hereditary Cancer Syndrome. Identifiers: Orphanet 140162, MedGen C0027672, MeSH D009386, MONDO:0015356.

gnomAD v4.1: 2 of 1,613,130 alleles (0.00012%); highest among the groups gnomAD compares: Non-Finnish European, 0.00017%; no homozygotes.

Submissions (2):

University of Washington Department of Laboratory Medicine, University of Washington
Classification: Likely benign for Hereditary cancer-predisposing syndrome. Last evaluated: 2023-03-23. Review status: criteria provided, single submitter. Criteria: Dines et al. (Genet Med. 2020). Collection method: curation. Allele origin: germline.
Comment: Missense variant in a coldspot region where missense variants are very unlikely to be pathogenic (PMID:31911673).

BRCA2 exon 11 coldspot. Reclassification based on statistical prior probability.

Labcorp Genetics (formerly Invitae), Labcorp
Classification: Uncertain significance for Hereditary breast ovarian cancer syndrome. Last evaluated: 2018-09-18. Review status: criteria provided, single submitter. Criteria: Invitae Variant Classification Sherloc (09022015). Collection method: clinical testing. Allele origin: germline.
Comment: In summary, the available evidence is currently insufficient to determine the role of this variant in disease. Therefore, it has been classified as a Variant of Uncertain Significance. This sequence change replaces histidine with asparagine at codon 1022 of the BRCA2 protein (p.His1022Asn). The histidine residue is weakly conserved and there is a small physicochemical difference between histidine and asparagine. This variant is not present in population databases (ExAC no frequency). This variant has not been reported in the literature in individuals with BRCA2-related disease. Algorithms developed to predict the effect of missense changes on protein structure and function output the following: SIFT: "Tolerated"; PolyPhen-2: "Benign"; Align-GVGD: "Class C0". The asparagine amino acid residue is found in multiple mammalian species, suggesting that this missense change does not adversely affect protein function. These predictions have not been confirmed by published functional studies and their clinical significance is uncertain.

NM_000059.4(BRCA2):c.3064C>A (p.His1022Asn)

Gene: BRCA2 (BRCA2 DNA repair associated; plus strand). Cytogenetic location: 13q13.1.
Variant type: single nucleotide variant.
Coding change: c.3064C>A on transcript NM_000059.4 (MANE Select); coding-DNA position 3064, C replaced by A.
Protein change: p.His1022Asn; replaces histidine 1022 with asparagine.
Molecular consequence: missense variant.
Genome position (GRCh38, 1-based): chr13:32,337,419, C>A. VCF-style: chr13-32337419-C-A. GRCh37 (hg19) VCF-style: chr13-32911556-C-A.
Other names: short protein forms H1022N.
Identifiers: ClinVar variation 662127 (VCV000662127.10), dbSNP rs765882871, ClinGen allele CA387775123.